The following is an entry in ClinVar:

ClinVar aggregate classification (germline): Benign. Review status: reviewed by expert panel (3 of 4 stars). 26 submissions from 26 submitters: Benign (1). 25 of the submissions do not count toward it. Last evaluated 2023-02-18.

Conditions:
APC-Associated Polyposis Disorders.
Hereditary cancer-predisposing syndrome. Also called: Neoplastic Syndromes, Hereditary; Tumor predisposition; Hereditary Cancer Syndrome; Hereditary neoplastic syndrome. Identifiers: Orphanet 140162, MedGen C0027672, MeSH D009386, MONDO:0015356.
Familial adenomatous polyposis 1 (FAP1). Also called: POLYPOSIS, ADENOMATOUS INTESTINAL; FAMILIAL ADENOMATOUS POLYPOSIS 1, ATTENUATED. Identifiers: MedGen C2713442, MONDO:0021056, OMIM 175100. Disease mechanism: loss of function.
Carcinoma of colon (CRC). Also called: Colon carcinoma; Colonic carcinoma. Identifiers: MedGen C0699790, MONDO:0002032.

Allele frequency attached by ClinVar (database versions not stated): 1000 Genomes Project 0.00120; 1000 Genomes Project 30x 0.00125; gnomAD 0.00213 and 0.00214; ExAC 0.00222; gnomAD exomes 0.00228 and 0.00321; TOPMed 0.00230; ESP Exome Variant Server 0.00254.
gnomAD v4.1: 4,971 of 1,612,706 alleles (0.31%); highest among the groups gnomAD compares: Non-Finnish European, 0.38%; 13 homozygotes.

Submissions (26):

ClinGen InSiGHT Hereditary Colorectal Cancer/Polyposis Variant Curation Expert Panel
Classification: Benign for Familial adenomatous polyposis 1. Last evaluated: 2023-02-18. Review status: reviewed by expert panel. Criteria: ClinGen InSiGHT HCCP VCEP ACMG Specifications APC V1. Collection method: curation. Allele origin: germline. Inheritance: Autosomal dominant inheritance.
Comment: The c.705A>G (p.Leu235=) variant in APC is a synonymous (silent) variant that is not predicted to impact splicing by multiple splicing predictors including SpliceAI, VarSEAK and MaxEntScan (BP4, BP7). This variant has been observed 3 times in homozygous state in gnomAD 2.1.1 (BS2). The highest population minor allele frequency in the non-cancer population of gnomAD v2.1.1 is 0.004669 in the Finnish population, which is higher than the ClinGen InSiGHT Hereditary Colorectal Cancer/Polyposis Variant Curation Expert Panel (HCCP VCEP) threshold (>0.001) for BA1, and therefore meets this criterion (BA1). In summary, this variant meets the criteria to be classified as Benign for FAP based on the ACMG/AMP criteria applied, as specified by the HCCP VCEP: BA1, BS2, BP4, and BP7 (Specification Version 1.0; date of approval: 12/12/2022).

CeGaT Center for Human Genetics Tuebingen
Classification: Likely benign. Last evaluated: 2026-08-01. Review status: criteria provided, single submitter. Criteria: CeGaT Center For Human Genetics Tuebingen Variant Classification Criteria Version 2. Collection method: clinical testing. Allele origin: germline. Affected: yes. Observed: 68 variant alleles. Not counted in ClinVar's aggregate classification.
Comment: APC: BP4, BP7

Labcorp Genetics (formerly Invitae), Labcorp
Classification: Benign for Familial adenomatous polyposis 1. Last evaluated: 2026-02-03. Review status: criteria provided, single submitter. Criteria: Invitae Variant Classification Sherloc (09022015). Collection method: clinical testing. Allele origin: germline. Not counted in ClinVar's aggregate classification.

ARUP Laboratories, Molecular Genetics and Genomics, ARUP Laboratories
Classification: Benign. Last evaluated: 2025-07-15. Review status: criteria provided, single submitter. Criteria: ARUP Molecular Germline Variant Investigation Process 2024. Collection method: clinical testing. Allele origin: germline. Not counted in ClinVar's aggregate classification.

Center for Genomic Medicine, Rigshospitalet, Copenhagen University Hospital
Classification: Likely benign. Last evaluated: 2025-03-04. Review status: criteria provided, single submitter. Criteria: ACMG Guidelines, 2015. Collection method: clinical testing. Allele origin: germline. Not counted in ClinVar's aggregate classification.

Blueprint Genetics
Classification: Likely benign. Last evaluated: 2024-11-26. Review status: criteria provided, single submitter. Criteria: ACMG Guidelines, 2015. Collection method: clinical testing. Allele origin: germline. Not counted in ClinVar's aggregate classification.

Myriad Genetics, Inc.
Classification: Benign for Familial adenomatous polyposis 1. Last evaluated: 2024-02-26. Review status: criteria provided, single submitter. Criteria: Myriad Autosomal Dominant, Autosomal Recessive and X-Linked Classification Criteria (2023). Collection method: clinical testing. Allele origin: unknown. Not counted in ClinVar's aggregate classification.
Comment: This variant is considered benign. This variant is a silent/synonymous amino acid change and it is not expected to impact splicing.

KCCC/NGS Laboratory, Kuwait Cancer Control Center
Classification: Benign for Familial adenomatous polyposis 1. Last evaluated: 2023-07-07. Review status: criteria provided, single submitter. Criteria: ACMG Guidelines, 2015. Collection method: clinical testing. Allele origin: germline. Affected: yes. Not counted in ClinVar's aggregate classification.

Institute for Biomarker Research, Medical Diagnostic Laboratories, L.L.C.
Classification: Benign for Hereditary cancer-predisposing syndrome. Last evaluated: 2022-12-20. Review status: criteria provided, single submitter. Criteria: ACMG Guidelines, 2015. Collection method: clinical testing. Allele origin: germline. Not counted in ClinVar's aggregate classification.

Genetic Services Laboratory, University of Chicago
Classification: Likely benign. Last evaluated: 2022-01-14. Review status: criteria provided, single submitter. Criteria: ACMG Guidelines, 2015. Collection method: clinical testing. Allele origin: germline. Affected: no. Not counted in ClinVar's aggregate classification.

Sema4
Classification: Benign for Hereditary cancer-predisposing syndrome. Last evaluated: 2020-08-31. Review status: criteria provided, single submitter. Criteria: Sema4 Curation Guidelines. Collection method: curation. Allele origin: germline. Not counted in ClinVar's aggregate classification.

Illumina Laboratory Services, Illumina
Classification: Benign for APC-Associated Polyposis Disorders. Last evaluated: 2018-01-13. Review status: criteria provided, single submitter. Criteria: ICSL Variant Classification Criteria 13 December 2019. Collection method: clinical testing. Allele origin: germline. Not counted in ClinVar's aggregate classification.
Comment: This variant was observed in the ICSL laboratory as part of a predisposition screen in an ostensibly healthy population. It had not been previously curated by ICSL or reported in the Human Gene Mutation Database (HGMD: prior to June 1st, 2018), and was therefore a candidate for classification through an automated scoring system. Utilizing variant allele frequency, disease prevalence and penetrance estimates, and inheritance mode, an automated score was calculated to assess if this variant is too frequent to cause the disease. Based on the score and internal cut-off values, a variant classified as benign is not then subjected to further curation. The score for this variant resulted in a classification of benign for this disease.

PreventionGenetics, part of Exact Sciences
Classification: Likely benign. Last evaluated: 2017-02-09. Review status: criteria provided, single submitter. Criteria: ACMG Guidelines, 2015. Collection method: clinical testing. Allele origin: germline. Not counted in ClinVar's aggregate classification.

Color Diagnostics, LLC DBA Color Health
Classification: Benign for Hereditary cancer-predisposing syndrome. Last evaluated: 2016-03-17. Review status: criteria provided, single submitter. Criteria: ACMG Guidelines, 2015. Collection method: clinical testing. Allele origin: germline. Not counted in ClinVar's aggregate classification.

Ambry Genetics
Classification: Likely benign for Hereditary cancer-predisposing syndrome. Last evaluated: 2014-07-24. Review status: criteria provided, single submitter. Criteria: Ambry Variant Classification Scheme 2023. Collection method: clinical testing. Allele origin: germline. Not counted in ClinVar's aggregate classification.

GeneDx
Classification: Benign. Last evaluated: 2014-01-27. Review status: criteria provided, single submitter. Criteria: GeneDx Variant Classification (06012015). Collection method: clinical testing. Allele origin: germline. Affected: yes. Not counted in ClinVar's aggregate classification.
Comment: This variant is considered likely benign or benign based on one or more of the following criteria: it is a conservative change, it occurs at a poorly conserved position in the protein, it is predicted to be benign by multiple in silico algorithms, and/or has population frequency not consistent with disease.

Eurofins Ntd Llc (ga)
Classification: Benign. Last evaluated: 2012-09-20. Review status: criteria provided, single submitter. Criteria: EGL Classification Definitions 2015. Collection method: clinical testing. Allele origin: germline. Observed: 2 variant alleles, 2 heterozygotes. Not counted in ClinVar's aggregate classification.

True Health Diagnostics
Classification: Likely benign for Hereditary cancer-predisposing syndrome. Last evaluated: 2017-10-10. Review status: no assertion criteria provided. Collection method: clinical testing. Allele origin: germline. Not counted in ClinVar's aggregate classification.

Clinical Genetics DNA and cytogenetics Diagnostics Lab, Erasmus MC, Erasmus Medical Center
Classification: Likely benign. Review status: no assertion criteria provided. Collection method: clinical testing. Allele origin: germline. Affected: yes. Study: VKGL Data-share Consensus. Not counted in ClinVar's aggregate classification.

Clinical Genetics, Academic Medical Center
Classification: Benign. Review status: no assertion criteria provided. Collection method: clinical testing. Allele origin: germline. Affected: yes. Study: VKGL Data-share Consensus. Not counted in ClinVar's aggregate classification.

Department of Pathology and Laboratory Medicine, Sinai Health System
Classification: Benign for Carcinoma of colon. Review status: no assertion criteria provided. Collection method: clinical testing. Allele origin: unknown. Affected: yes. Study: The Canadian Open Genetics Repository (COGR). Not counted in ClinVar's aggregate classification.
Comment: The p.Leu235Leu variant is not expected to have clinical significance because it does not alter an amino acid residue and is not located near a splice junction. It has been reported in the UMD (x1) and LOVD (x2) databases. In addition, it is observed as a low frequency variant in the ESP cohort, increasing the likelihood this variant does not have clinical significance. In summary, based on the above information, this variant is predicted benign.

Diagnostic Laboratory, Department of Genetics, University Medical Center Groningen
Classification: Benign. Review status: no assertion criteria provided. Collection method: clinical testing. Allele origin: germline. Affected: yes. Study: VKGL Data-share Consensus. Not counted in ClinVar's aggregate classification.

Genome Diagnostics Laboratory, Amsterdam University Medical Center
Classification: Likely benign. Review status: no assertion criteria provided. Collection method: clinical testing. Allele origin: germline. Affected: yes. Study: VKGL Data-share Consensus. Not counted in ClinVar's aggregate classification.

Joint Genome Diagnostic Labs from Nijmegen and Maastricht, Radboudumc and MUMC+
Classification: Likely benign. Review status: no assertion criteria provided. Collection method: clinical testing. Allele origin: germline. Affected: yes. Study: VKGL Data-share Consensus. Not counted in ClinVar's aggregate classification.

Laboratory of Diagnostic Genome Analysis, Leiden University Medical Center (LUMC)
Classification: Likely benign. Review status: no assertion criteria provided. Collection method: clinical testing. Allele origin: germline. Affected: yes. Study: VKGL Data-share Consensus. Not counted in ClinVar's aggregate classification.

Mayo Clinic Laboratories, Mayo Clinic
Classification: Benign. Review status: no assertion criteria provided. Collection method: clinical testing. Allele origin: unknown. Not counted in ClinVar's aggregate classification.

NM_000038.6(APC):c.705A>G (p.Leu235=)

Gene: APC (APC regulator of Wnt signaling pathway; plus strand). Cytogenetic location: 5q22.2.
Variant type: single nucleotide variant.
Coding change: c.705A>G on transcript NM_000038.6 (MANE Select); coding-DNA position 705, A replaced by G.
Protein change: p.Leu235=; no amino-acid change (leucine 235 retained).
Molecular consequence: synonymous variant. On other transcripts: 5 prime UTR variant (1), intron variant (2).
Genome position (GRCh38, 1-based): chr5:112,792,505, A>G. VCF-style: chr5-112792505-A-G. GRCh37 (hg19) VCF-style: chr5-112128202-A-G.
Other names: p.L235L:TTA>TTG; CCDS4107.1:c.705A>G; NM_000038.6(APC):c.705A>G; p.Leu235=; c.705A>G, p.Leu235= (NM_001127510.3, NM_001354895.2, NM_001354896.2 and 1 more transcripts); c.735A>G, p.Leu245= (NM_001354897.2, NM_001354902.2); c.630A>G, p.Leu210= (NM_001354898.2, NM_001354904.2); c.528A>G, p.Leu176= (NM_001354900.2, NM_001354901.2, NM_001354905.2); and 3 more.
Identifiers: ClinVar variation 92349 (VCV000092349.83), dbSNP rs147036141, ClinGen allele CA012805.